The following is an entry in ClinVar:

NM_017491.5(WDR1):c.138+99C>G

Gene: WDR1 (WD repeat domain 1; minus strand). Cytogenetic location: 4p16.1.
Variant type: single nucleotide variant.
Coding change: c.138+99C>G on transcript NM_017491.5 (MANE Select); 99 bases into the intron after coding-DNA position 138, C replaced by G.
Molecular consequence: intron variant.
Genome position (GRCh38, 1-based): chr4:10,116,014, G>C on the plus strand (C>G on the coding strand, the complement: WDR1 is on the minus strand). VCF-style: chr4-10116014-G-C. GRCh37 (hg19) VCF-style: chr4-10117638-G-C.
Other names: c.138+99C>G (NM_005112.5).
Identifiers: ClinVar variation 2688339 (VCV002688339.2), dbSNP rs2303401, ClinGen allele CA11824855.

ClinVar aggregate classification (germline): Benign (1 of 4 stars; one submission).

Allele frequency attached by ClinVar (database versions not stated): TOPMed 0.08271; 1000 Genomes Project 30x 0.12102; 1000 Genomes Project 0.12660.
gnomAD v4.1: 115,953 of 1,486,740 alleles (7.8%); highest among the groups gnomAD compares: East Asian, 32%; 6,704 homozygotes.

Submission:

Unidad de Genómica Garrahan, Hospital de Pediatría Garrahan
Classification: Benign. Last evaluated: 2024-01-24. Review status: criteria provided, single submitter. Criteria: ACMG Guidelines, 2015. Collection method: clinical testing. Allele origin: germline. Affected: no. Observed: 20 variant alleles.
Comment: This variant is classified as Benign based on local population frequency. This variant was detected in 21% of patients studied by a panel of primary immunodeficiencies. Number of patients: 20. Only high quality variants are reported.